The following is an entry in ClinVar:

ClinVar aggregate classification (germline): Uncertain significance (1 of 4 stars; one submission).

gnomAD v4.1: 527 of 1,613,666 alleles (0.033%); highest among the groups gnomAD compares: Non-Finnish European, 0.041%; 1 homozygote.

Submission:

CeGaT Center for Human Genetics Tuebingen
Classification: Uncertain significance. Last evaluated: 2025-07-01. Review status: criteria provided, single submitter. Criteria: CeGaT Center For Human Genetics Tuebingen Variant Classification Criteria Version 2. Collection method: clinical testing. Allele origin: germline. Affected: yes. Observed: 1 variant allele.
Comment: CFAP45: PM2, BP4

NM_012337.3(CFAP45):c.565G>C (p.Glu189Gln)

Gene: CFAP45 (cilia and flagella associated protein 45; minus strand). Cytogenetic location: 1q23.2.
Variant type: single nucleotide variant.
Coding change: c.565G>C on transcript NM_012337.3 (MANE Select); coding-DNA position 565, G replaced by C.
Protein change: p.Glu189Gln; replaces glutamic acid 189 with glutamine.
Molecular consequence: missense variant.
Genome position (GRCh38, 1-based): chr1:159,887,864, C>G on the plus strand (G>C on the coding strand, the complement: CFAP45 is on the minus strand). VCF-style: chr1-159887864-C-G. GRCh37 (hg19) VCF-style: chr1-159857654-C-G.
Other names: short protein forms E189Q.
Identifiers: ClinVar variation 4083561 (VCV004083561.8).